The following is an entry in ClinVar:

ClinVar aggregate classification (germline): Uncertain significance (1 of 4 stars; one submission).

Conditions:
FBN1-related disorder. Also called: FBN1-related disorders.

Submission:

PreventionGenetics, part of Exact Sciences
Classification: Uncertain significance for FBN1-related condition. Last evaluated: 2024-11-20. Review status: criteria provided, single submitter. Criteria: ACMG Guidelines, 2015. Collection method: clinical testing. Allele origin: germline.
Comment: The FBN1 c.6944C>T variant is predicted to result in the amino acid substitution p.Thr2315Ile. To our knowledge, this variant has not been reported in the literature or in a large population database (gnomAD), indicating this variant is rare. At this time, the clinical significance of this variant is uncertain due to the absence of conclusive functional and genetic evidence.

NM_000138.5(FBN1):c.6944C>T (p.Thr2315Ile)

Gene: FBN1 (fibrillin 1; minus strand). Cytogenetic location: 15q21.1.
Variant type: single nucleotide variant.
Coding change: c.6944C>T on transcript NM_000138.5 (MANE Select); coding-DNA position 6944, C replaced by T.
Protein change: p.Thr2315Ile; replaces threonine 2315 with isoleucine.
Molecular consequence: missense variant.
Genome position (GRCh38, 1-based): chr15:48,428,399, G>A on the plus strand (C>T on the coding strand, the complement: FBN1 is on the minus strand). VCF-style: chr15-48428399-G-A. GRCh37 (hg19) VCF-style: chr15-48720596-G-A.
Other names: c.6944C>T, p.Thr2315Ile (NM_001406716.1); short protein forms T2315I.
Identifiers: ClinVar variation 4997961 (VCV004997961.1).